The following is an entry in ClinVar:

NM_006978.3(RNF113A):c.383G>A (p.Arg128His)

Gene: RNF113A (ring finger protein 113A; minus strand). Cytogenetic location: Xq24.
Variant type: single nucleotide variant.
Coding change: c.383G>A on transcript NM_006978.3 (MANE Select); coding-DNA position 383, G replaced by A.
Protein change: p.Arg128His; replaces arginine 128 with histidine.
Molecular consequence: missense variant.
Genome position (GRCh38, 1-based): chrX:119,871,231, C>T on the plus strand (G>A on the coding strand, the complement: RNF113A is on the minus strand). VCF-style: chrX-119871231-C-T. GRCh37 (hg19) VCF-style: chrX-119005194-C-T.
Other names: short protein forms R128H.
Identifiers: ClinVar variation 3673173 (VCV003673173.2).

ClinVar aggregate classification (germline): Uncertain significance (1 of 4 stars; one submission).

Submission:

Labcorp Genetics (formerly Invitae), Labcorp
Classification: Uncertain significance. Last evaluated: 2024-05-31. Review status: criteria provided, single submitter. Criteria: Invitae Variant Classification Sherloc (09022015). Collection method: clinical testing. Allele origin: germline.
Comment: This sequence change replaces arginine, which is basic and polar, with histidine, which is basic and polar, at codon 128 of the RNF113A protein (p.Arg128His). This variant is not present in population databases (gnomAD no frequency). This variant has not been reported in the literature in individuals affected with RNF113A-related conditions. Advanced modeling of protein sequence and biophysical properties (such as structural, functional, and spatial information, amino acid conservation, physicochemical variation, residue mobility, and thermodynamic stability) performed at Invitae indicates that this missense variant is not expected to disrupt RNF113A protein function with a negative predictive value of 80%. In summary, the available evidence is currently insufficient to determine the role of this variant in disease. Therefore, it has been classified as a Variant of Uncertain Significance.